The following is an entry in ClinVar:

NM_000334.4(SCN4A):c.876C>T (p.Thr292=)

Gene: SCN4A (sodium voltage-gated channel alpha subunit 4; minus strand). Cytogenetic location: 17q23.3.
Variant type: single nucleotide variant.
Coding change: c.876C>T on transcript NM_000334.4 (MANE Select); coding-DNA position 876, C replaced by T.
Protein change: p.Thr292=; no amino-acid change (threonine 292 retained).
Molecular consequence: synonymous variant.
Genome position (GRCh38, 1-based): chr17:63,968,183, G>A on the plus strand (C>T on the coding strand, the complement: SCN4A is on the minus strand). VCF-style: chr17-63968183-G-A. GRCh37 (hg19) VCF-style: chr17-62045543-G-A.
Identifiers: ClinVar variation 3342116 (VCV003342116.16).
Genomic context (GRCh38, chr17:63,968,183, plus strand): 5'-CCACATCTCATTGCCATACCATGTGTCATTGCCGTACCACGTGTCATTGCTGTACCACGT[G>A]GTGTTGGTGTCGTTGAACGGCGGGGGCCAGCGCACACACTTCTGCCTCAGGTTTCCCATG-3'
Protein context (NP_000325.4, residues 282-302): RWPPPFNDTN[Thr292=]TWYSNDTWYG

ClinVar aggregate classification (germline): Likely benign (1 of 4 stars; one submission).

Submission:

CeGaT Center for Human Genetics Tuebingen
Classification: Likely benign. Last evaluated: 2024-08-01. Review status: criteria provided, single submitter. Criteria: CeGaT Center For Human Genetics Tuebingen Variant Classification Criteria Version 2. Collection method: clinical testing. Allele origin: germline. Affected: yes. Observed: 1 variant allele.
Comment: SCN4A: PM2:Supporting, BP4, BP7